The following is an entry in ClinVar:

ClinVar aggregate classification (germline): Likely benign (0 of 4 stars; one submission).

Conditions:
TAOK2-related disorder. Also called: TAOK2-related condition.

Allele frequency attached by ClinVar (database versions not stated): gnomAD 0.00063; 1000 Genomes Project 0.00020; gnomAD exomes 0.00046; ESP Exome Variant Server 0.00023; TOPMed 0.00015; ExAC 0.00071; 1000 Genomes Project 30x 0.00016.
gnomAD v4.1: 771 of 1,613,522 alleles (0.048%); highest among the groups gnomAD compares: Non-Finnish European, 0.032%; 3 homozygotes.

Submission:

PreventionGenetics, part of Exact Sciences
Classification: Likely benign for TAOK2-related condition. Last evaluated: 2019-04-11. Review status: no assertion criteria provided. Collection method: clinical testing. Allele origin: germline.
Comment: This variant is classified as likely benign based on ACMG/AMP sequence variant interpretation guidelines (Richards et al. 2015 PMID: 25741868, with internal and published modifications).

NM_004783.4(TAOK2):c.2580G>A (p.Arg860=)

Gene: TAOK2 (TAO kinase 2; plus strand). Cytogenetic location: 16p11.2.
Variant type: single nucleotide variant.
Coding change: c.2580G>A on transcript NM_004783.4; coding-DNA position 2580, G replaced by A.
Protein change: p.Arg860=; no amino-acid change (arginine 860 retained).
Molecular consequence: synonymous variant.
Genome position (GRCh38, 1-based): chr16:29,990,918, G>A. VCF-style: chr16-29990918-G-A. GRCh37 (hg19) VCF-style: chr16-30002239-G-A.
Identifiers: ClinVar variation 3045933 (VCV003045933.2), dbSNP rs78594589, ClinGen allele CA7998740.